The following is an entry in ClinVar:

NM_000329.3(RPE65):c.1070C>A (p.Ala357Asp)

Gene: RPE65 (retinoid isomerohydrolase RPE65; minus strand). Cytogenetic location: 1p31.3.
Variant type: single nucleotide variant.
Coding change: c.1070C>A on transcript NM_000329.3 (MANE Select); coding-DNA position 1070, C replaced by A.
Protein change: p.Ala357Asp; replaces alanine 357 with aspartic acid.
Molecular consequence: missense variant.
Genome position (GRCh38, 1-based): chr1:68,438,245, G>T on the plus strand (C>A on the coding strand, the complement: RPE65 is on the minus strand). VCF-style: chr1-68438245-G-T. GRCh37 (hg19) VCF-style: chr1-68903928-G-T.
Other names: short protein forms A357D.
Identifiers: ClinVar variation 842218 (VCV000842218.11), dbSNP rs187198628, ClinGen allele CA902305.

ClinVar aggregate classification (germline): Uncertain significance. Review status: criteria provided, multiple submitters, no conflicts (2 of 4 stars). 4 submissions from 3 submitters: Uncertain significance (4). Last evaluated 2024-02-21.

Conditions:
Leber congenital amaurosis 2 (LCA2). Also called: Autosomal Recessive RPE65-Related Retinal Degeneration; AMAUROSIS CONGENITA OF LEBER II. Identifiers: Orphanet 65, MedGen C1859844, MONDO:0008765, OMIM 204100. Disease mechanism: loss of function.
Retinitis pigmentosa 20 (RP20). Identifiers: Orphanet 791, MedGen C3151086, MONDO:0013425, OMIM 613794.
Retinitis pigmentosa (RP). Identifiers: Orphanet 791, MedGen C0035334, MeSH D012174, MONDO:0019200, OMIM 268000. Inheritance: Autosomal dominant, autosomal recessive and X linked inheritance.

Allele frequency attached by ClinVar (database versions not stated): ExAC 0.00007; gnomAD 0.00008; gnomAD exomes 0.00014; 1000 Genomes Project 30x 0.00016; 1000 Genomes Project 0.00020.
gnomAD v4.1: 94 of 1,613,790 alleles (0.0058%); highest among the groups gnomAD compares: Non-Finnish European, 0.001%; no homozygotes.

Submissions (4):

Blueprint Genetics
Classification: Uncertain significance. Last evaluated: 2024-02-21. Review status: criteria provided, single submitter. Criteria: ACMG Guidelines, 2015. Collection method: clinical testing. Allele origin: germline.

Labcorp Genetics (formerly Invitae), Labcorp
Classification: Uncertain significance for Leber congenital amaurosis 2; Retinitis pigmentosa 20. Last evaluated: 2021-09-01. Review status: criteria provided, single submitter. Criteria: Invitae Variant Classification Sherloc (09022015). Collection method: clinical testing. Allele origin: germline.
Comment: This sequence change replaces alanine with aspartic acid at codon 357 of the RPE65 protein (p.Ala357Asp). The alanine residue is highly conserved and there is a moderate physicochemical difference between alanine and aspartic acid. This variant is present in population databases (rs187198628, ExAC 0.1%). This variant has not been reported in the literature in individuals affected with RPE65-related conditions. Algorithms developed to predict the effect of missense changes on protein structure and function are either unavailable or do not agree on the potential impact of this missense change (SIFT: "Tolerated"; PolyPhen-2: "Probably Damaging"; Align-GVGD: "Class C15"). In summary, the available evidence is currently insufficient to determine the role of this variant in disease. Therefore, it has been classified as a Variant of Uncertain Significance.

Illumina Laboratory Services, Illumina
Classification: Uncertain significance for Leber congenital amaurosis 2. Last evaluated: 2018-01-12. Review status: criteria provided, single submitter. Criteria: ICSL Variant Classification Criteria 13 December 2019. Collection method: clinical testing. Allele origin: germline.

Illumina Laboratory Services, Illumina
Classification: Uncertain significance for Retinitis pigmentosa. Last evaluated: 2018-01-12. Review status: criteria provided, single submitter. Criteria: ICSL Variant Classification Criteria 13 December 2019. Collection method: clinical testing. Allele origin: germline.